The following is an entry in ClinVar:

ClinVar aggregate classification (germline): Pathogenic/Likely pathogenic. Review status: criteria provided, multiple submitters, no conflicts (2 of 4 stars). 3 submissions from 3 submitters: Pathogenic (1); Likely pathogenic (1). 1 of the submissions does not count toward it. Last evaluated 2025-01-31.

Conditions:
Autosomal dominant optic atrophy classic form (OPA1). Also called: Optic Atrophy Type 1; KJER-TYPE OPTIC ATROPHY; OPTIC ATROPHY, JUVENILE. Identifiers: Orphanet 98673, MedGen C0338508, MONDO:0008134, OMIM 165500.
Optic atrophy with or without deafness, ophthalmoplegia, myopathy, ataxia, and neuropathy. Also called: OPTIC ATROPHY PLUS SYNDROME. Identifiers: MedGen C3276549, MONDO:0007429, OMIM 125250.
Optic atrophy. Identifiers: MedGen C0029124, MONDO:0003608, HP:0000648.

Submissions (3):

Labcorp Genetics (formerly Invitae), Labcorp
Classification: Pathogenic. Last evaluated: 2025-01-31. Review status: criteria provided, single submitter. Criteria: Invitae Variant Classification Sherloc (09022015). Collection method: clinical testing. Allele origin: germline.
Comment: This sequence change replaces aspartic acid, which is acidic and polar, with glycine, which is neutral and non-polar, at codon 438 of the OPA1 protein (p.Asp438Gly). This variant is not present in population databases (gnomAD no frequency). This missense change has been observed in individuals with autosomal dominant optic atrophy (PMID: 16698014, 33884488). It has also been observed to segregate with disease in related individuals. This variant is also known as c.1478A>G (p.Asp493Gly). ClinVar contains an entry for this variant (Variation ID: 3250177). An algorithm developed to predict the effect of missense changes on protein structure and function (PolyPhen-2) suggests that this variant is likely to be disruptive. RNA analysis performed to evaluate the impact of this missense change on mRNA splicing indicates it does not significantly alter splicing (PMID: 16698014). For these reasons, this variant has been classified as Pathogenic.

Diagnostics Services (NGS), CSIR - Centre For Cellular And Molecular Biology
Classification: Likely pathogenic for Optic atrophy with or without deafness, ophthalmoplegia, myopathy, ataxia, and neuropathy; Autosomal dominant optic atrophy classic form. Last evaluated: 2024-05-31. Review status: criteria provided, single submitter. Criteria: ACMG Guidelines, 2015. Collection method: clinical testing. Allele origin: unknown. Affected: yes. Observed: 1 variant allele, 1 heterozygote.
Comment: The c.1478A>G variant is not present in publicly available population databases like 1000 Genomes, EVS, ExAC, gnomAD, Indian Exome Database or our in-house exome database. This variant has been previously observed in individuals with OPA1-related conditions [PMID:16698014, PMID:31781369] and reported to the Human Genome Mutation Database (HGMD ID: CM066157). In-silico pathogenicity prediction programs like SIFT, PolyPhen-2, MutationTaster2, CADD, Varsome, Franklin etc predicted this variant to be likely deleterious, however these predictions were not confirmed by published functional studies. This variant is located in a mutational hotspot region of the gene and different amino acid changes in the same codon (Asp493Val, Asp493Ala, Asp493His) have been previously observed in affected individuals, published in literature and reported to the clinical databases as ‘pathogenic’.

Institute of Human Genetics, Univ. Regensburg, Univ. Regensburg
Classification: Likely pathogenic for Optic atrophy. Last evaluated: 2021-01-01. Review status: no assertion criteria provided. Criteria: ACMG Guidelines, 2015. Collection method: clinical testing. Allele origin: germline. Affected: yes. Not counted in ClinVar's aggregate classification.

Literature cited by the submitters: PubMed 16698014 (cited by Labcorp Genetics (formerly Invitae), Labcorp and Diagnostics Services (NGS), CSIR - Centre For Cellular And Molecular Biology); PubMed 33884488 (cited by Labcorp Genetics (formerly Invitae), Labcorp); PubMed 31781369 (cited by Diagnostics Services (NGS), CSIR - Centre For Cellular And Molecular Biology).

NM_130837.3(OPA1):c.1478A>G (p.Asp493Gly)

Gene: OPA1 (OPA1 mitochondrial dynamin like GTPase; plus strand). Cytogenetic location: 3q29.
Variant type: single nucleotide variant.
Coding change: c.1478A>G on transcript NM_130837.3 (MANE Select); coding-DNA position 1478, A replaced by G.
Protein change: p.Asp493Gly; replaces aspartic acid 493 with glycine.
Molecular consequence: missense variant.
Genome position (GRCh38, 1-based): chr3:193,643,975, A>G. VCF-style: chr3-193643975-A-G. GRCh37 (hg19) VCF-style: chr3-193361764-A-G.
Other names: c.944A>G, p.Asp315Gly (NM_001354663.2); c.941A>G, p.Asp314Gly (NM_001354664.2); c.1313A>G, p.Asp438Gly (NM_015560.3); c.1205A>G, p.Asp402Gly (NM_130831.3); c.1259A>G, p.Asp420Gly (NM_130832.3); c.1316A>G, p.Asp439Gly (NM_130833.3); c.1367A>G, p.Asp456Gly (NM_130834.3); c.1370A>G, p.Asp457Gly (NM_130835.3); and 1 more; short protein forms D314G, D315G, D402G, D420G, D438G, D439G, D456G, D457G.
Identifiers: ClinVar variation 3250177 (VCV003250177.3), dbSNP rs1734162973.